The following is an entry in ClinVar:

ClinVar aggregate classification (germline): Uncertain significance (1 of 4 stars; one submission).

Conditions:
Congenital myasthenic syndrome 8. Also called: Myasthenic syndrome, congenital, 8, with pre- and postsynaptic defects; MYASTHENIC SYNDROME, CONGENITAL, DUE TO AGRIN DEFICIENCY. Identifiers: Orphanet 590, MedGen C3808739, MONDO:0014052, OMIM 615120.

Submission:

Labcorp Genetics (formerly Invitae), Labcorp
Classification: Uncertain significance for Congenital myasthenic syndrome 8. Last evaluated: 2021-04-20. Review status: criteria provided, single submitter. Criteria: Invitae Variant Classification Sherloc (09022015). Collection method: clinical testing. Allele origin: germline.
Comment: This sequence change replaces asparagine with isoleucine at codon 1758 of the AGRN protein (p.Asn1758Ile). The asparagine residue is highly conserved and there is a large physicochemical difference between asparagine and isoleucine. In summary, the available evidence is currently insufficient to determine the role of this variant in disease. Therefore, it has been classified as a Variant of Uncertain Significance. Algorithms developed to predict the effect of missense changes on protein structure and function are either unavailable or do not agree on the potential impact of this missense change (SIFT: "Deleterious"; PolyPhen-2: "Probably Damaging"; Align-GVGD: "Class C15"). This variant is not present in population databases (ExAC no frequency). This variant has not been reported in the literature in individuals with AGRN-related conditions.

NM_198576.4(AGRN):c.5273A>T (p.Asn1758Ile)

Gene: AGRN (agrin; plus strand). Cytogenetic location: 1p36.33.
Variant type: single nucleotide variant.
Coding change: c.5273A>T on transcript NM_198576.4 (MANE Select); coding-DNA position 5273, A replaced by T.
Protein change: p.Asn1758Ile; replaces asparagine 1758 with isoleucine.
Molecular consequence: missense variant.
Genome position (GRCh38, 1-based): chr1:1,051,272, A>T. VCF-style: chr1-1051272-A-T. GRCh37 (hg19) VCF-style: chr1-986652-A-T.
Other names: c.5285A>T, p.Asn1762Ile (NM_001305275.2); c.4970A>T, p.Asn1657Ile (NM_001364727.2); short protein forms N1762I, N1657I, N1758I.
Identifiers: ClinVar variation 1440933 (VCV001440933.8), dbSNP rs2100687539, ClinGen allele CA337781209.